The following is an entry in ClinVar:

ClinVar aggregate classification (germline): Uncertain significance (1 of 4 stars; one submission).

Conditions:
Hereditary cancer-predisposing syndrome. Also called: Hereditary neoplastic syndrome; Neoplastic Syndromes, Hereditary; Tumor predisposition; Hereditary Cancer Syndrome. Identifiers: Orphanet 140162, MedGen C0027672, MeSH D009386, MONDO:0015356.

Submission:

Ambry Genetics
Classification: Uncertain significance for Hereditary cancer-predisposing syndrome. Last evaluated: 2025-07-28. Review status: criteria provided, single submitter. Criteria: Ambry Variant Classification Scheme 2023. Collection method: clinical testing. Allele origin: germline.
Comment: The p.S418A variant (also known as c.1252T>G), located in coding exon 10 of the NBN gene, results from a T to G substitution at nucleotide position 1252. The serine at codon 418 is replaced by alanine, an amino acid with similar properties. This amino acid position is conserved. In addition, this alteration is predicted to be tolerated by in silico analysis. Based on the available evidence, the clinical significance of this variant remains unclear.

NM_002485.5(NBN):c.1252T>G (p.Ser418Ala)

Gene: NBN (nibrin; minus strand). Cytogenetic location: 8q21.3.
Variant type: single nucleotide variant.
Coding change: c.1252T>G on transcript NM_002485.5 (MANE Select); coding-DNA position 1252, T replaced by G.
Protein change: p.Ser418Ala; replaces serine 418 with alanine.
Molecular consequence: missense variant.
Genome position (GRCh38, 1-based): chr8:89,955,428, A>C on the plus strand (T>G on the coding strand, the complement: NBN is on the minus strand). VCF-style: chr8-89955428-A-C. GRCh37 (hg19) VCF-style: chr8-90967656-A-C.
Other names: c.1006T>G, p.Ser336Ala (NM_001024688.3, NM_001440379.1, NM_001440380.1); short protein forms S336A, S418A.
Identifiers: ClinVar variation 4117274 (VCV004117274.1).